The following is an entry in ClinVar:

NM_001903.5(CTNNA1):c.734A>T (p.Tyr245Phe)

Gene: CTNNA1 (catenin alpha 1; plus strand). Cytogenetic location: 5q31.2.
Variant type: single nucleotide variant.
Coding change: c.734A>T on transcript NM_001903.5 (MANE Select); coding-DNA position 734, A replaced by T.
Protein change: p.Tyr245Phe; replaces tyrosine 245 with phenylalanine.
Molecular consequence: missense variant.
Genome position (GRCh38, 1-based): chr5:138,824,675, A>T. VCF-style: chr5-138824675-A-T. GRCh37 (hg19) VCF-style: chr5-138160364-A-T.
Other names: c.734A>T, p.Tyr245Phe (NM_001290307.3, NM_001323982.2, NM_001323983.1 and 3 more transcripts); c.425A>T, p.Tyr142Phe (NM_001290309.3); c.365A>T, p.Tyr122Phe (NM_001290310.3); short protein forms Y122F, Y142F, Y245F.
Identifiers: ClinVar variation 2198777 (VCV002198777.4), dbSNP rs1581167854, ClinGen allele CA361129891.
Genomic context (GRCh38, chr5:138,824,675, plus strand): 5'-CCCAGGCATGCCTACAGCACCCTGATGTCGCAGCCTATAAGGCCAACAGGGACCTGATAT[A>T]CAAGCAGCTGCAGCAGGCGGTCACAGGCATTTCCAATGCAGCCCAGGCCACTGCCTCAGA-3'
Protein context (NP_001894.2, residues 235-255): AAYKANRDLI[Tyr245Phe]KQLQQAVTGI

ClinVar aggregate classification (germline): Uncertain significance (1 of 4 stars; one submission).

Submission:

Labcorp Genetics (formerly Invitae), Labcorp
Classification: Uncertain significance. Last evaluated: 2025-04-28. Review status: criteria provided, single submitter. Criteria: Invitae Variant Classification Sherloc (09022015). Collection method: clinical testing. Allele origin: germline.
Comment: This sequence change replaces tyrosine, which is neutral and polar, with phenylalanine, which is neutral and non-polar, at codon 245 of the CTNNA1 protein (p.Tyr245Phe). This variant is not present in population databases (gnomAD no frequency). This variant has not been reported in the literature in individuals affected with CTNNA1-related conditions. ClinVar contains an entry for this variant (Variation ID: 2198777). Invitae Evidence Modeling of protein sequence and biophysical properties (such as structural, functional, and spatial information, amino acid conservation, physicochemical variation, residue mobility, and thermodynamic stability) indicates that this missense variant is not expected to disrupt CTNNA1 protein function with a negative predictive value of 80%. In summary, the available evidence is currently insufficient to determine the role of this variant in disease. Therefore, it has been classified as a Variant of Uncertain Significance.